The following is an entry in ClinVar:

ClinVar aggregate classification (germline): Uncertain significance (1 of 4 stars; one submission).

gnomAD v4.1: 1 of 1,614,212 alleles (0.000062%); highest among the groups gnomAD compares: Non-Finnish European, 0.000085%; no homozygotes.

Submission:

Labcorp Genetics (formerly Invitae), Labcorp
Classification: Uncertain significance. Last evaluated: 2022-07-14. Review status: criteria provided, single submitter. Criteria: Invitae Variant Classification Sherloc (09022015). Collection method: clinical testing. Allele origin: germline.
Comment: This sequence change replaces glutamine, which is neutral and polar, with histidine, which is basic and polar, at codon 62 of the TRPM1 protein (p.Gln62His). This variant is not present in population databases (gnomAD no frequency). This variant has not been reported in the literature in individuals affected with TRPM1-related conditions. Algorithms developed to predict the effect of missense changes on protein structure and function are either unavailable or do not agree on the potential impact of this missense change (SIFT: "Deleterious"; PolyPhen-2: "Benign"; Align-GVGD: "Class C0"). In summary, the available evidence is currently insufficient to determine the role of this variant in disease. Therefore, it has been classified as a Variant of Uncertain Significance.

NM_001252024.2(TRPM1):c.252G>C (p.Gln84His)

Gene: TRPM1 (transient receptor potential cation channel subfamily M member 1; minus strand). Cytogenetic location: 15q13.3.
Variant type: single nucleotide variant.
Coding change: c.252G>C on transcript NM_001252024.2 (MANE Select); coding-DNA position 252, G replaced by C.
Protein change: p.Gln84His; replaces glutamine 84 with histidine.
Molecular consequence: missense variant.
Genome position (GRCh38, 1-based): chr15:31,070,058, C>G on the plus strand (G>C on the coding strand, the complement: TRPM1 is on the minus strand). VCF-style: chr15-31070058-C-G. GRCh37 (hg19) VCF-style: chr15-31362261-C-G.
Other names: c.303G>C, p.Gln101His (NM_001252020.2); c.186G>C, p.Gln62His (NM_001252030.2, NM_002420.6); short protein forms Q101H, Q62H, Q84H.
Identifiers: ClinVar variation 1717175 (VCV001717175.5), dbSNP rs2504229779, ClinGen allele CA391536951.